The following is an entry in ClinVar:

ClinVar aggregate classification (germline): Benign/Likely benign. Review status: criteria provided, multiple submitters, no conflicts (2 of 4 stars). 6 submissions from 6 submitters: Benign (1); Likely benign (3). 2 of the submissions do not count toward it. Last evaluated 2026-01-28.

Conditions:
COL4A5-related disorder. Also called: COL4A5-related condition.
X-linked Alport syndrome (ATS1). Also called: COL4A5-Related Nephropathy; NEPHROPATHY AND DEAFNESS, X-LINKED. Identifiers: Orphanet 63, Orphanet 88917, MedGen C4746986, MONDO:0010520, OMIM 301050.

Allele frequency attached by ClinVar (database versions not stated): gnomAD exomes 0.00006 and 0.00013; ExAC 0.00019; ESP Exome Variant Server 0.00038; gnomAD 0.00043 and 0.00047; TOPMed 0.00056; 1000 Genomes Project 30x 0.00125; 1000 Genomes Project 0.00132.
gnomAD v4.1: 116 of 1,208,392 alleles (0.0096%); highest among the groups gnomAD compares: African/African-American, 0.17%; no homozygotes.

Submissions (6):

Labcorp Genetics (formerly Invitae), Labcorp
Classification: Benign. Last evaluated: 2026-01-28. Review status: criteria provided, single submitter. Criteria: Invitae Variant Classification Sherloc (09022015). Collection method: clinical testing. Allele origin: germline.

Blueprint Genetics
Classification: Likely benign. Last evaluated: 2023-07-17. Review status: criteria provided, single submitter. Criteria: ACMG Guidelines, 2015. Collection method: clinical testing. Allele origin: germline.

Fulgent Genetics
Classification: Likely benign for X-linked Alport syndrome. Last evaluated: 2021-09-24. Review status: criteria provided, single submitter. Criteria: ACMG Guidelines, 2015. Collection method: clinical testing. Allele origin: unknown.

GeneDx
Classification: Likely benign. Last evaluated: 2021-04-13. Review status: criteria provided, single submitter. Criteria: GeneDx Variant Classification Process June 2021. Collection method: clinical testing. Allele origin: germline. Affected: yes.

PreventionGenetics, part of Exact Sciences
Classification: Likely benign for COL4A5-related condition. Last evaluated: 2024-05-29. Review status: no assertion criteria provided. Collection method: clinical testing. Allele origin: germline. Not counted in ClinVar's aggregate classification.
Comment: This variant is classified as likely benign based on ACMG/AMP sequence variant interpretation guidelines (Richards et al. 2015 PMID: 25741868, with internal and published modifications).

Natera, Inc.
Classification: Likely benign for X-linked Alport syndrome. Last evaluated: 2019-12-31. Review status: no assertion criteria provided. Collection method: clinical testing. Allele origin: germline. Not counted in ClinVar's aggregate classification.

NM_033380.3(COL4A5):c.1187C>T (p.Pro396Leu)

Gene: COL4A5 (collagen type IV alpha 5 chain; plus strand). Cytogenetic location: Xq22.3.
Variant type: single nucleotide variant.
Coding change: c.1187C>T on transcript NM_033380.3 (MANE Select); coding-DNA position 1187, C replaced by T.
Protein change: p.Pro396Leu; replaces proline 396 with leucine.
Molecular consequence: missense variant.
Genome position (GRCh38, 1-based): chrX:108,591,079, C>T. VCF-style: chrX-108591079-C-T. GRCh37 (hg19) VCF-style: chrX-107834309-C-T.
Other names: c.1187C>T, p.Pro396Leu (NM_000495.5); short protein forms P396L.
Identifiers: ClinVar variation 720621 (VCV000720621.17), dbSNP rs113013606, ClinGen allele CA10488698.